The following is an entry in ClinVar:

ClinVar aggregate classification (germline): Uncertain significance. Review status: criteria provided, multiple submitters, no conflicts (2 of 4 stars). 3 submissions from 3 submitters: Uncertain significance (3). Last evaluated 2023-07-12.

Conditions:
Renal cell carcinoma. Identifiers: Orphanet 217071, MedGen C0007134, MeSH D002292, MONDO:0005086, HP:0005584.
Hereditary cancer-predisposing syndrome. Also called: Neoplastic Syndromes, Hereditary; Hereditary Cancer Syndrome; Tumor predisposition; Hereditary neoplastic syndrome. Identifiers: Orphanet 140162, MedGen C0027672, MeSH D009386, MONDO:0015356.
Autosomal recessive nonsyndromic hearing loss 97. Also called: Deafness, autosomal recessive 97. Identifiers: Orphanet 90636, MedGen C4084709, MONDO:0014739, OMIM 616705.

Submissions (3):

Baylor Genetics
Classification: Uncertain significance for Autosomal recessive nonsyndromic hearing loss 97. Last evaluated: 2023-07-12. Review status: criteria provided, single submitter. Criteria: ACMG Guidelines, 2015. Collection method: clinical testing. Allele origin: unknown.

Ambry Genetics
Classification: Uncertain significance for Hereditary cancer-predisposing syndrome. Last evaluated: 2022-10-29. Review status: criteria provided, single submitter. Criteria: Ambry Variant Classification Scheme 2023. Collection method: clinical testing. Allele origin: germline.
Comment: The p.A1357P variant (also known as c.4069G>C), located in coding exon 20 of the MET gene, results from a G to C substitution at nucleotide position 4069. The alanine at codon 1357 is replaced by proline, an amino acid with highly similar properties. This amino acid position is conserved. In addition, this alteration is predicted to be tolerated by in silico analysis. Since supporting evidence is limited at this time, the clinical significance of this alteration remains unclear.

Labcorp Genetics (formerly Invitae), Labcorp
Classification: Uncertain significance for Renal cell carcinoma. Last evaluated: 2020-06-07. Review status: criteria provided, single submitter. Criteria: Invitae Variant Classification Sherloc (09022015). Collection method: clinical testing. Allele origin: germline.
Comment: This sequence change replaces alanine with proline at codon 1357 of the MET protein (p.Ala1357Pro). The alanine residue is weakly conserved and there is a small physicochemical difference between alanine and proline. This variant is not present in population databases (ExAC no frequency). This variant has not been reported in the literature in individuals with MET-related conditions. Algorithms developed to predict the effect of missense changes on protein structure and function are either unavailable or do not agree on the potential impact of this missense change (SIFT: "Tolerated"; PolyPhen-2: "Benign"; Align-GVGD: "Class C0"). In summary, the available evidence is currently insufficient to determine the role of this variant in disease. Therefore, it has been classified as a Variant of Uncertain Significance.

NM_000245.4(MET):c.4015G>C (p.Ala1339Pro)

Gene: MET (MET proto-oncogene, receptor tyrosine kinase; plus strand). Cytogenetic location: 7q31.2.
Variant type: single nucleotide variant.
Coding change: c.4015G>C on transcript NM_000245.4 (MANE Select); coding-DNA position 4015, G replaced by C.
Protein change: p.Ala1339Pro; replaces alanine 1339 with proline.
Molecular consequence: missense variant.
Genome position (GRCh38, 1-based): chr7:116,795,966, G>C. VCF-style: chr7-116795966-G-C. GRCh37 (hg19) VCF-style: chr7-116436020-G-C.
Other names: c.4069G>C, p.Ala1357Pro (NM_001127500.3); c.2725G>C, p.Ala909Pro (NM_001324402.2); short protein forms A909P, A1339P, A1357P.
Identifiers: ClinVar variation 1036632 (VCV001036632.12), dbSNP rs1795658722, ClinGen allele CA369118212.
Genomic context (GRCh38, chr7:116,795,966, plus strand): 5'-TGCTGGCACCCTAAAGCCGAAATGCGCCCATCCTTTTCTGAACTGGTGTCCCGGATATCA[G>C]CGATCTTCTCTACTTTCATTGGGGAGCACTATGTCCATGTGAACGCTACTTATGTGAACG-3'
Protein context (NP_000236.2, residues 1329-1349): SFSELVSRIS[Ala1339Pro]IFSTFIGEHY